The following is an entry in ClinVar:

NM_021009.7(UBC):c.666A>G (p.Val222=)

Gene: UBC (ubiquitin C; minus strand). Cytogenetic location: 12q24.31.
Variant type: single nucleotide variant.
Coding change: c.666A>G on transcript NM_021009.7 (MANE Select); coding-DNA position 666, A replaced by G.
Protein change: p.Val222=; no amino-acid change (valine 222 retained).
Molecular consequence: synonymous variant.
Genome position (GRCh38, 1-based): chr12:124,913,106, T>C on the plus strand (A>G on the coding strand, the complement: UBC is on the minus strand). VCF-style: chr12-124913106-T-C. GRCh37 (hg19) VCF-style: chr12-125397652-T-C.
Identifiers: ClinVar variation 4872107 (VCV004872107.2).

ClinVar aggregate classification (germline): Likely benign (1 of 4 stars; one submission).

Submission:

CeGaT Center for Human Genetics Tuebingen
Classification: Likely benign. Last evaluated: 2026-05-01. Review status: criteria provided, single submitter. Criteria: CeGaT Center For Human Genetics Tuebingen Variant Classification Criteria Version 2. Collection method: clinical testing. Allele origin: germline. Affected: yes. Observed: 1 variant allele.
Comment: UBC: BP4, BP7